The following is an entry in ClinVar:

NM_000090.4(COL3A1):c.3606C>T (p.Ala1202=)

Gene: COL3A1 (collagen type III alpha 1 chain; plus strand). Cytogenetic location: 2q32.2.
Variant type: single nucleotide variant.
Coding change: c.3606C>T on transcript NM_000090.4 (MANE Select); coding-DNA position 3606, C replaced by T.
Protein change: p.Ala1202=; no amino-acid change (alanine 1202 retained).
Molecular consequence: synonymous variant.
Genome position (GRCh38, 1-based): chr2:189,009,004, C>T. VCF-style: chr2-189009004-C-T. GRCh37 (hg19) VCF-style: chr2-189873730-C-T.
Identifiers: ClinVar variation 1557157 (VCV001557157.15), dbSNP rs755573602, ClinGen allele CA076203.

ClinVar aggregate classification (germline): Conflicting classifications of pathogenicity. Review status: criteria provided, conflicting classifications (1 of 4 stars). 6 submissions from 6 submitters: Uncertain significance (1); Likely benign (5). Last evaluated 2025-12-15.

Conditions:
Ehlers-Danlos syndrome (EDS). Identifiers: Orphanet 98249, MedGen C0013720, MONDO:0020066.
Ehlers-Danlos syndrome, type 4 (EDSVASC). Also called: Ehlers-Danlos syndrome vascular type; Ehlers Danlos syndrome, ecchymotic type; Ehlers Danlos syndrome, arterial type; Ehlers Danlos syndrome, Sack-Barabas type; Ehlers-Danlos Syndrome Type IV. Identifiers: Orphanet 286, MedGen C0268338, MONDO:0017314, OMIM 130050.
Familial thoracic aortic aneurysm and aortic dissection (TAAD). Also called: Thoracic aortic aneurysms and dissections. Identifiers: Orphanet 91387, MedGen C4707243, MONDO:0019625.

Allele frequency attached by ClinVar (database versions not stated): gnomAD 0.00001; gnomAD exomes 0.00002 and 0.00003; TOPMed 0.00002; ExAC 0.00003.
gnomAD v4.1: 46 of 1,614,014 alleles (0.0029%); highest among the groups gnomAD compares: South Asian, 0.013%; no homozygotes.

Submissions (6):

Labcorp Genetics (formerly Invitae), Labcorp
Classification: Likely benign for Ehlers-Danlos syndrome, type 4. Last evaluated: 2025-12-15. Review status: criteria provided, single submitter. Criteria: Invitae Variant Classification Sherloc (09022015). Collection method: clinical testing. Allele origin: germline.

All of Us Research Program, National Institutes of Health
Classification: Likely benign for Ehlers-Danlos syndrome, type 4. Last evaluated: 2024-02-05. Review status: criteria provided, single submitter. Criteria: ACMG Guidelines, 2015. Collection method: clinical testing. Allele origin: germline. Inheritance: Autosomal dominant inheritance. Observed: 1 variant allele, 1 heterozygote.
Comment: This study involves interpretation of variants in research participants for the purpose of population health screening. Participant phenotype was not available at the time of variant classification. Additional details can be found in publication PMID: 35346344, PMCID: PMC8962531

Color Diagnostics, LLC DBA Color Health
Classification: Likely benign for Familial thoracic aortic aneurysm and aortic dissection. Last evaluated: 2024-01-30. Review status: criteria provided, single submitter. Criteria: ACMG Guidelines, 2015. Collection method: clinical testing. Allele origin: germline.

Ambry Genetics
Classification: Likely benign for Familial thoracic aortic aneurysm and aortic dissection. Last evaluated: 2021-05-14. Review status: criteria provided, single submitter. Criteria: Ambry Variant Classification Scheme 2023. Collection method: clinical testing. Allele origin: germline.

Genome Diagnostics Laboratory, The Hospital for Sick Children
Classification: Uncertain significance for Ehlers-Danlos syndrome. Last evaluated: 2019-12-01. Review status: criteria provided, single submitter. Criteria: ACMG Guidelines, 2015. Collection method: clinical testing. Allele origin: germline.

Breakthrough Genomics
Classification: Likely benign. Review status: criteria provided, single submitter. Criteria: ACMG Guidelines, 2015. Collection method: not provided. Allele origin: germline. Inheritance: Autosomal recessive inheritance. Affected: yes.